The following is an entry in ClinVar:

NM_207352.4(CYP4V2):c.1225+3A>T

Gene: CYP4V2 (cytochrome P450 family 4 subfamily V member 2; plus strand). Cytogenetic location: 4q35.2.
Variant type: single nucleotide variant.
Coding change: c.1225+3A>T on transcript NM_207352.4 (MANE Select); 3 bases into the intron after coding-DNA position 1225, A replaced by T.
Molecular consequence: intron variant.
Genome position (GRCh38, 1-based): chr4:186,209,002, A>T. VCF-style: chr4-186209002-A-T. GRCh37 (hg19) VCF-style: chr4-187130156-A-T.
Identifiers: ClinVar variation 2009574 (VCV002009574.4), dbSNP rs2478945984, ClinGen allele CA2580071713.

ClinVar aggregate classification (germline): Uncertain significance (1 of 4 stars; one submission).

Submission:

Labcorp Genetics (formerly Invitae), Labcorp
Classification: Uncertain significance. Last evaluated: 2022-06-23. Review status: criteria provided, single submitter. Criteria: Invitae Variant Classification Sherloc (09022015). Collection method: clinical testing. Allele origin: germline.
Comment: In summary, the available evidence is currently insufficient to determine the role of this variant in disease. Therefore, it has been classified as a Variant of Uncertain Significance. Variants that disrupt the consensus splice site are a relatively common cause of aberrant splicing (PMID: 17576681, 9536098). Algorithms developed to predict the effect of sequence changes on RNA splicing suggest that this variant may disrupt the consensus splice site. This variant has not been reported in the literature in individuals affected with CYP4V2-related conditions. This variant is not present in population databases (gnomAD no frequency). This sequence change falls in intron 9 of the CYP4V2 gene. It does not directly change the encoded amino acid sequence of the CYP4V2 protein. It affects a nucleotide within the consensus splice site.

Literature cited by the submitters: PubMed 17576681; PubMed 9536098.